The following is an entry in ClinVar:

ClinVar aggregate classification (germline): Likely benign. Review status: criteria provided, multiple submitters, no conflicts (2 of 4 stars). 2 submissions from 2 submitters: Likely benign (2). Last evaluated 2025-10-28.

Conditions:
Mitochondrial hypertrophic cardiomyopathy with lactic acidosis due to MTO1 deficiency. Also called: CARDIOMYOPATHY, INFANTILE HYPERTROPHIC MITOCHONDRIAL, AND LACTIC ACIDOSIS; Combined oxidative phosphorylation deficiency 10. Identifiers: Orphanet 314637, MedGen C4749921, MONDO:0013865, OMIM 614702.

Allele frequency attached by ClinVar (database versions not stated): gnomAD 0.00001; 1000 Genomes Project 30x 0.00016; TOPMed below 0.00001.
gnomAD v4.1: 6 of 1,614,230 alleles (0.00037%); highest among the groups gnomAD compares: Admixed American, 0.0083%; no homozygotes.

Submissions (2):

Labcorp Genetics (formerly Invitae), Labcorp
Classification: Likely benign for Mitochondrial hypertrophic cardiomyopathy with lactic acidosis due to MTO1 deficiency. Last evaluated: 2025-10-28. Review status: criteria provided, single submitter. Criteria: Invitae Variant Classification Sherloc (09022015). Collection method: clinical testing. Allele origin: germline.

GeneDx
Classification: Likely benign. Last evaluated: 2017-11-27. Review status: criteria provided, single submitter. Criteria: GeneDx Variant Classification (06012015). Collection method: clinical testing. Allele origin: germline. Affected: yes.
Comment: This variant is considered likely benign or benign based on one or more of the following criteria: it is a conservative change, it occurs at a poorly conserved position in the protein, it is predicted to be benign by multiple in silico algorithms, and/or has population frequency not consistent with disease.

NM_012123.4(MTO1):c.96C>T (p.Pro32=)

Gene: MTO1 (mitochondrial tRNA translation optimization 1; plus strand). Cytogenetic location: 6q13.
Variant type: single nucleotide variant.
Coding change: c.96C>T on transcript NM_012123.4 (MANE Select); coding-DNA position 96, C replaced by T.
Protein change: p.Pro32=; no amino-acid change (proline 32 retained).
Molecular consequence: synonymous variant.
Genome position (GRCh38, 1-based): chr6:73,461,950, C>T. VCF-style: chr6-73461950-C-T. GRCh37 (hg19) VCF-style: chr6-74171673-C-T.
Other names: c.96C>T, p.Pro32= (NM_001123226.2, NM_133645.3).
Identifiers: ClinVar variation 513495 (VCV000513495.7), dbSNP rs938648582, ClinGen allele CA140948619.